The following is an entry in ClinVar:

ClinVar aggregate classification (germline): Pathogenic. Review status: criteria provided, multiple submitters, no conflicts (2 of 4 stars). 2 submissions from 2 submitters: Pathogenic (2). Last evaluated 2024-08-28.

Conditions:
Angelman syndrome-like. Identifiers: MedGen CN128785.
Developmental and epileptic encephalopathy, 2 (DEE2). Also called: INFANTILE SPASM SYNDROME, X-LINKED 2; CDKL5 deficiency disorder. Identifiers: Orphanet 1934, Orphanet 3451, Orphanet 505652, MedGen C4750718, MONDO:0010396, OMIM 300672.

Submissions (2):

Labcorp Genetics (formerly Invitae), Labcorp
Classification: Pathogenic for Developmental and epileptic encephalopathy, 2; Angelman syndrome-like. Last evaluated: 2024-08-28. Review status: criteria provided, single submitter. Criteria: Invitae Variant Classification Sherloc (09022015). Collection method: clinical testing. Allele origin: germline.
Comment: This sequence change creates a premature translational stop signal (p.Pro518Hisfs*5) in the CDKL5 gene. It is expected to result in an absent or disrupted protein product. Loss-of-function variants in CDKL5 are known to be pathogenic (PMID: 22872100). This variant is not present in population databases (gnomAD no frequency). This premature translational stop signal has been observed in individual(s) with clinical features of epileptic encephalopathy (PMID: 29056246). ClinVar contains an entry for this variant (Variation ID: 284540). For these reasons, this variant has been classified as Pathogenic.

Eurofins Ntd Llc (ga)
Classification: Pathogenic. Last evaluated: 2015-11-23. Review status: criteria provided, single submitter. Criteria: EGL Classification Definitions 2015. Collection method: clinical testing. Allele origin: germline. Observed: 1 variant allele, 1 heterozygote.

Literature cited by the submitters: PubMed 22872100 (cited by Labcorp Genetics (formerly Invitae), Labcorp); PubMed 29056246 (cited by Labcorp Genetics (formerly Invitae), Labcorp).

NM_001323289.2(CDKL5):c.1553del (p.Pro518fs)

Gene: CDKL5 (cyclin dependent kinase like 5; plus strand). Cytogenetic location: Xp22.13.
Variant type: Deletion.
Coding change: c.1553del on transcript NM_001323289.2 (MANE Select); coding-DNA position 1553, one base deleted (C; older notation c.1553delC).
Protein change: p.Pro518fs; shifts the reading frame from proline 518.
Molecular consequence: frameshift variant.
Genome position (GRCh38, 1-based): chrX:18,604,477, C deleted; the last of 3 consecutive C bases (chrX:18,604,475-18,604,477); deleting any one gives the same sequence. VCF-style (leftmost placement, unchanged base first): chrX-18604474-TC-T. GRCh37 (hg19) VCF-style: chrX-18622594-TC-T.
Other names: c.1553del, p.Pro518fs (NM_001037343.2, NM_003159.3); short protein forms P518fs.
Identifiers: ClinVar variation 284540 (VCV000284540.7), dbSNP rs886042899, ClinGen allele CA10604833.